The following is an entry in ClinVar:

NM_033305.3(VPS13A):c.*1458T>G

Gene: VPS13A (vacuolar protein sorting 13 homolog A; plus strand). Cytogenetic location: 9q21.2.
Variant type: single nucleotide variant.
Coding change: c.*1458T>G on transcript NM_033305.3 (MANE Select); 1458 bases downstream of the stop codon, T replaced by G.
Molecular consequence: 3 prime UTR variant.
Genome position (GRCh38, 1-based): chr9:77,417,464, T>G. VCF-style: chr9-77417464-T-G. GRCh37 (hg19) VCF-style: chr9-80032380-T-G.
Other names: c.*1458T>G (NM_001018037.2).
Identifiers: ClinVar variation 914573 (VCV000914573.4), dbSNP rs139050715, ClinGen allele CA194409924.
Genomic context (GRCh38, chr9:77,417,464, plus strand): 5'-TGATTTCTCTCTGATTACTAAAACACATTGTTTATTCTCAGTAGTTTCCCCCAAAATGCT[T>G]TTTTCTTTGCTGAACTTAAATTGAATCAAACCACAAGTTTAAAATCACATGAAAGTGTGT-3'

ClinVar aggregate classification (germline): Benign (1 of 4 stars; one submission).

Conditions:
VPS13A-related neurodegenerative disease. Also called: VPS13A Disease; Choreaacanthocytosis; Chorea-acanthocytosis; LEVINE-CRITCHLEY SYNDROME; Choreoacanthocytosis; ACANTHOCYTOSIS WITH NEUROLOGIC DISORDER. Identifiers: Orphanet 2388, MedGen C0393576, MONDO:0008695, OMIM 200150.

Allele frequency attached by ClinVar (database versions not stated): 1000 Genomes Project 30x 0.00422; 1000 Genomes Project 0.00439; gnomAD 0.00446 and 0.00474; TOPMed 0.00536.
gnomAD v4.1: 671 of 152,242 alleles (0.44%); highest among the groups gnomAD compares: African/African-American, 1.5%; 3 homozygotes.

Submission:

Illumina Laboratory Services, Illumina
Classification: Benign for VPS13A-related neurodegenerative disease. Last evaluated: 2018-01-12. Review status: criteria provided, single submitter. Criteria: ICSL Variant Classification Criteria 13 December 2019. Collection method: clinical testing. Allele origin: germline.
Comment: This variant was observed in the ICSL laboratory as part of a predisposition screen in an ostensibly healthy population. It had not been previously curated by ICSL or reported in the Human Gene Mutation Database (HGMD: prior to June 1st, 2018), and was therefore a candidate for classification through an automated scoring system. Utilizing variant allele frequency, disease prevalence and penetrance estimates, and inheritance mode, an automated score was calculated to assess if this variant is too frequent to cause the disease. Based on the score and internal cut-off values, a variant classified as benign is not then subjected to further curation. The score for this variant resulted in a classification of benign for this disease.